The following is an entry in ClinVar:

ClinVar aggregate classification (germline): Likely benign. Review status: criteria provided, multiple submitters, no conflicts (2 of 4 stars). 2 submissions from 2 submitters: Likely benign (2). Last evaluated 2024-10-28.

Conditions:
Developmental and epileptic encephalopathy, 31A. Also called: Developmental and epileptic encephalopathy, 31; Epileptic encephalopathy, early infantile, 31. Identifiers: Orphanet 2382, MedGen C4225357, MONDO:0014598, OMIM 616346.

Allele frequency attached by ClinVar (database versions not stated): gnomAD 0.00001; TOPMed 0.00001.
gnomAD v4.1: 8 of 1,602,594 alleles (0.0005%); highest among the groups gnomAD compares: East Asian, 0.0022%; no homozygotes.

Submissions (2):

Labcorp Genetics (formerly Invitae), Labcorp
Classification: Likely benign for Developmental and epileptic encephalopathy, 31A. Last evaluated: 2024-10-28. Review status: criteria provided, single submitter. Criteria: Invitae Variant Classification Sherloc (09022015). Collection method: clinical testing. Allele origin: germline.

Women's Health and Genetics/Laboratory Corporation of America, LabCorp
Classification: Likely benign. Last evaluated: 2023-12-26. Review status: criteria provided, single submitter. Criteria: LabCorp Variant Classification Summary - May 2015. Collection method: clinical testing. Allele origin: germline.
Comment: Variant summary: DNM1 c.1335+13C>T alters a non-conserved nucleotide located at a position not widely known to affect splicing. Consensus agreement among computation tools predict no significant impact on normal splicing. However, these predictions have yet to be confirmed by functional studies. The variant was absent in 243864 control chromosomes. The available data on variant occurrences in the general population are insufficient to allow any conclusion about variant significance. To our knowledge, no occurrence of c.1335+13C>T in individuals affected with Developmental And Epileptic Encephalopathy, 31 and no experimental evidence demonstrating its impact on protein function have been reported. One submitter has cited clinical-significance assessments for this variant to ClinVar after 2014 and has classified the variant as likely benign. Based on the evidence outlined above, the variant was classified as likely benign.

NM_004408.4(DNM1):c.1335+13C>T

Gene: DNM1 (dynamin 1; plus strand). Cytogenetic location: 9q34.11.
Variant type: single nucleotide variant.
Coding change: c.1335+13C>T on transcript NM_004408.4 (MANE Select); 13 bases into the intron after coding-DNA position 1335, C replaced by T.
Molecular consequence: intron variant.
Genome position (GRCh38, 1-based): chr9:128,224,402, C>T. VCF-style: chr9-128224402-C-T. GRCh37 (hg19) VCF-style: chr9-130986681-C-T.
Other names: c.1335+13C>T (NM_001005336.3, NM_001374269.1); c.1196+1542C>T (NM_001288738.2, NM_001288737.2, NM_001288739.2).
Identifiers: ClinVar variation 2141253 (VCV002141253.5), dbSNP rs1330389436, ClinGen allele CA860249381.
Genomic context (GRCh38, chr9:128,224,402, plus strand): 5'-ATGGTTATCTCGGAGCTAATCAGCACCGTTAGACAGTGCACCAAGAAGGTAACCCGGAGG[C>T]CCGGGCCAGCCCCCACCGCCTCTGCCCCGCCCTGCACTGCTGCCAGGCGCTCCTTCCCCA-3'